The following is an entry in ClinVar:

NM_153026.3(PRICKLE1):c.588+123C>G

Gene: PRICKLE1 (prickle planar cell polarity protein 1; minus strand). Cytogenetic location: 12q12.
Variant type: single nucleotide variant.
Coding change: c.588+123C>G on transcript NM_153026.3 (MANE Select); 123 bases into the intron after coding-DNA position 588, C replaced by G.
Molecular consequence: intron variant.
Genome position (GRCh38, 1-based): chr12:42,468,503, G>C on the plus strand (C>G on the coding strand, the complement: PRICKLE1 is on the minus strand). VCF-style: chr12-42468503-G-C. GRCh37 (hg19) VCF-style: chr12-42862305-G-C.
Other names: c.588+123C>G (NM_001144883.2, NM_001144882.2, NM_001144881.2).
Identifiers: ClinVar variation 668045 (VCV000668045.1), dbSNP rs2708061, ClinGen allele CA235493483.

ClinVar aggregate classification (germline): Benign (1 of 4 stars; one submission).

Allele frequency attached by ClinVar (database versions not stated): TOPMed 0.95911; gnomAD 0.96170 and 0.96444; 1000 Genomes Project 30x 0.96221; 1000 Genomes Project 0.96406; gnomAD exomes 0.99608.
gnomAD v4.1: 891,639 of 900,104 alleles (99%); highest among the groups gnomAD compares: East Asian, 100%; 442,083 homozygotes.

Submission:

GeneDx
Classification: Benign. Last evaluated: 2018-06-14. Review status: criteria provided, single submitter. Criteria: GeneDx Variant Classification (06012015). Collection method: clinical testing. Allele origin: germline. Affected: yes.
Comment: This variant is considered likely benign or benign based on one or more of the following criteria: it is a conservative change, it occurs at a poorly conserved position in the protein, it is predicted to be benign by multiple in silico algorithms, and/or has population frequency not consistent with disease.